The following is an entry in ClinVar:

NC_000022.10:g.(?_32179873)_(32180881_?)del

Gene: DEPDC5 (DEP domain containing 5, GATOR1 subcomplex subunit; plus strand). Cytogenetic location: 22q12.2.
Variant type: Deletion.
Identifiers: ClinVar variation 3247896 (VCV003247896.1).

ClinVar aggregate classification (germline): Pathogenic (1 of 4 stars; one submission).

Conditions:
Familial focal epilepsy with variable foci (FPEVF). Identifiers: Orphanet 98820, MedGen C1858477, MONDO:0020310.

Submission:

Labcorp Genetics (formerly Invitae), Labcorp
Classification: Pathogenic for Familial focal epilepsy with variable foci. Last evaluated: 2023-12-17. Review status: criteria provided, single submitter. Criteria: Invitae Variant Classification Sherloc (09022015). Collection method: clinical testing. Allele origin: unknown.
Comment: This variant is a gross deletion of the genomic region encompassing exon(s) 9-10 of the DEPDC5 gene. This variant would be expected to be in-frame, preserving the integrity of the reading frame. This variant has not been reported in the literature in individuals affected with DEPDC5-related conditions. This variant disrupts a region of the DEPDC5 protein in which other variant(s) (p.Tyr191Cys) have been determined to be pathogenic (Invitae). This suggests that this is a clinically significant region of the protein, and that variants that disrupt it are likely to be disease-causing. For these reasons, this variant has been classified as Pathogenic.